The following is an entry in ClinVar:

ClinVar aggregate classification (germline): Uncertain significance (1 of 4 stars; one submission).

Conditions:
Griscelli syndrome type 2 (GS2). Also called: GRISCELLI SYNDROME WITH HEMOPHAGOCYTIC SYNDROME; PAID SYNDROME; PARTIAL ALBINISM AND IMMUNODEFICIENCY SYNDROME. Identifiers: Orphanet 381, Orphanet 79477, MedGen C1868679, MONDO:0011872, OMIM 607624.

Submission:

Labcorp Genetics (formerly Invitae), Labcorp
Classification: Uncertain significance for Griscelli syndrome type 2. Last evaluated: 2022-08-10. Review status: criteria provided, single submitter. Criteria: Invitae Variant Classification Sherloc (09022015). Collection method: clinical testing. Allele origin: germline.
Comment: In summary, the available evidence is currently insufficient to determine the role of this variant in disease. Therefore, it has been classified as a Variant of Uncertain Significance. Algorithms developed to predict the effect of missense changes on protein structure and function (SIFT, PolyPhen-2, Align-GVGD) all suggest that this variant is likely to be disruptive. ClinVar contains an entry for this variant (Variation ID: 1346741). This variant has not been reported in the literature in individuals affected with RAB27A-related conditions. This variant is not present in population databases (gnomAD no frequency). This sequence change replaces arginine, which is basic and polar, with glycine, which is neutral and non-polar, at codon 111 of the RAB27A protein (p.Arg111Gly).

NM_183235.3(RAB27A):c.331A>G (p.Arg111Gly)

Gene: RAB27A (RAB27A, member RAS oncogene family; minus strand). Cytogenetic location: 15q21.3.
Variant type: single nucleotide variant.
Coding change: c.331A>G on transcript NM_183235.3 (MANE Select); coding-DNA position 331, A replaced by G.
Protein change: p.Arg111Gly; replaces arginine 111 with glycine.
Molecular consequence: missense variant.
Genome position (GRCh38, 1-based): chr15:55,228,621, T>C on the plus strand (A>G on the coding strand, the complement: RAB27A is on the minus strand). VCF-style: chr15-55228621-T-C. GRCh37 (hg19) VCF-style: chr15-55520819-T-C.
Other names: c.331A>G, p.Arg111Gly (NM_004580.5, NM_183234.3, NM_183236.3); short protein forms R111G.
Identifiers: ClinVar variation 1346741 (VCV001346741.8), dbSNP rs2140972816, ClinGen allele CA392530358.